The following is an entry in ClinVar:

NM_002907.4(RECQL):c.1151G>A (p.Arg384Lys)

Gene: RECQL (RecQ like helicase; minus strand). Cytogenetic location: 12p12.1.
Variant type: single nucleotide variant.
Coding change: c.1151G>A on transcript NM_002907.4 (MANE Select); coding-DNA position 1151, G replaced by A.
Protein change: p.Arg384Lys; replaces arginine 384 with lysine.
Molecular consequence: missense variant.
Genome position (GRCh38, 1-based): chr12:21,475,533, C>T on the plus strand (G>A on the coding strand, the complement: RECQL is on the minus strand). VCF-style: chr12-21475533-C-T. GRCh37 (hg19) VCF-style: chr12-21628467-C-T.
Other names: c.1151G>A, p.Arg384Lys (NM_032941.3); short protein forms R384K.
Identifiers: ClinVar variation 1734184 (VCV001734184.2), dbSNP rs2540344816, ClinGen allele CA384119825.

ClinVar aggregate classification (germline): Uncertain significance (1 of 4 stars; one submission).

Submission:

Ambry Genetics
Classification: Uncertain significance. Last evaluated: 2021-08-22. Review status: criteria provided, single submitter. Criteria: Ambry Variant Classification Scheme 2023. Collection method: clinical testing. Allele origin: germline.
Comment: The p.R384K variant (also known as c.1151G>A), located in coding exon 9 of the RECQL gene, results from a G to A substitution at nucleotide position 1151. The arginine at codon 384 is replaced by lysine, an amino acid with highly similar properties. This amino acid position is conserved. In addition, this alteration is predicted to be deleterious by in silico analysis. Since supporting evidence is limited at this time, the clinical significance of this alteration remains unclear.